The following is an entry in ClinVar:

NM_000093.5(COL5A1):c.5065G>A (p.Gly1689Arg)

Genes: COL5A1 (collagen type V alpha 1 chain; plus strand), LOC101448202 (uncharacterized LOC101448202; minus strand). Cytogenetic location: 9q34.3.
Variant type: single nucleotide variant.
Coding change: c.5065G>A on transcript NM_000093.5 (MANE Select); coding-DNA position 5065, G replaced by A.
Protein change: p.Gly1689Arg; replaces glycine 1689 with arginine.
Molecular consequence: missense variant.
Genome position (GRCh38, 1-based): chr9:134,825,902, G>A. VCF-style: chr9-134825902-G-A. GRCh37 (hg19) VCF-style: chr9-137717748-G-A.
Other names: c.5065G>A, p.Gly1689Arg (NM_001278074.1); short protein forms G1689R.
Identifiers: ClinVar variation 953777 (VCV000953777.11), dbSNP rs1839245619, ClinGen allele CA375459060.

ClinVar aggregate classification (germline): Uncertain significance (1 of 4 stars; one submission).

Conditions:
Ehlers-Danlos syndrome, classic type, 1 (EDSCL1). Also called: Ehlers-Danlos syndrome, type 1; EHLERS-DANLOS SYNDROME, GRAVIS TYPE; EHLERS-DANLOS SYNDROME, SEVERE CLASSIC TYPE; EDS I; Ehlers-Danlos Syndrome, Classic Type, COL5A1-Related. Identifiers: MedGen C0268335, MONDO:0019567, OMIM 130000.

Submission:

Labcorp Genetics (formerly Invitae), Labcorp
Classification: Uncertain significance for Ehlers-Danlos syndrome, classic type, 1. Last evaluated: 2019-09-06. Review status: criteria provided, single submitter. Criteria: Invitae Variant Classification Sherloc (09022015). Collection method: clinical testing. Allele origin: germline.
Comment: Algorithms developed to predict the effect of missense changes on protein structure and function are either unavailable or do not agree on the potential impact of this missense change (SIFT: "Deleterious"; PolyPhen-2: "Not Available"; Align-GVGD: "Class C0"). In summary, the available evidence is currently insufficient to determine the role of this variant in disease. Therefore, it has been classified as a Variant of Uncertain Significance. This variant has not been reported in the literature in individuals with COL5A1-related conditions. This variant is not present in population databases (ExAC no frequency). This sequence change replaces glycine with arginine at codon 1689 of the COL5A1 protein (p.Gly1689Arg). The glycine residue is highly conserved and there is a moderate physicochemical difference between glycine and arginine.